The following is an entry in ClinVar:

ClinVar aggregate classification (germline): Uncertain significance. Review status: criteria provided, multiple submitters, no conflicts (2 of 4 stars). 3 submissions from 3 submitters: Uncertain significance (3). Last evaluated 2025-11-07.

Conditions:
Familial thoracic aortic aneurysm and aortic dissection (TAAD). Also called: Thoracic aortic aneurysms and dissections. Identifiers: Orphanet 91387, MedGen C4707243, MONDO:0019625.
Hereditary cancer-predisposing syndrome. Also called: Hereditary Cancer Syndrome; Tumor predisposition; Neoplastic Syndromes, Hereditary; Hereditary neoplastic syndrome. Identifiers: Orphanet 140162, MedGen C0027672, MeSH D009386, MONDO:0015356.
Juvenile polyposis syndrome (JPS). Identifiers: Orphanet 2929, MedGen C0345893, MONDO:0017380, OMIM 174900.

Allele frequency attached by ClinVar (database versions not stated): gnomAD exomes below 0.00001.
gnomAD v4.1: 1 of 1,597,244 alleles (0.000063%); highest among the groups gnomAD compares: Admixed American, 0.0017%; no homozygotes.

Submissions (3):

Ambry Genetics
Classification: Uncertain significance for Hereditary cancer-predisposing syndrome; Familial thoracic aortic aneurysm and aortic dissection. Last evaluated: 2025-11-07. Review status: criteria provided, single submitter. Criteria: Ambry Variant Classification Scheme 2023. Collection method: clinical testing. Allele origin: germline.
Comment: The p.N151D variant (also known as c.451A>G), located in coding exon 3 of the SMAD4 gene, results from an A to G substitution at nucleotide position 451. The asparagine at codon 151 is replaced by aspartic acid, an amino acid with highly similar properties. This amino acid position is not well conserved in available vertebrate species. In addition, this alteration is predicted to be tolerated by in silico analysis. Since supporting evidence is limited at this time, the clinical significance of this alteration remains unclear.

Labcorp Genetics (formerly Invitae), Labcorp
Classification: Uncertain significance for Juvenile polyposis syndrome. Last evaluated: 2025-08-03. Review status: criteria provided, single submitter. Criteria: Invitae Variant Classification Sherloc (09022015). Collection method: clinical testing. Allele origin: germline.
Comment: This sequence change replaces asparagine, which is neutral and polar, with aspartic acid, which is acidic and polar, at codon 151 of the SMAD4 protein (p.Asn151Asp). This variant is not present in population databases (gnomAD no frequency). This variant has not been reported in the literature in individuals affected with SMAD4-related conditions. ClinVar contains an entry for this variant (Variation ID: 648456). Invitae Evidence Modeling of protein sequence and biophysical properties (such as structural, functional, and spatial information, amino acid conservation, physicochemical variation, residue mobility, and thermodynamic stability) indicates that this missense variant is not expected to disrupt SMAD4 protein function with a negative predictive value of 95%. In summary, the available evidence is currently insufficient to determine the role of this variant in disease. Therefore, it has been classified as a Variant of Uncertain Significance.

Revvity Omics, Revvity
Classification: Uncertain significance. Last evaluated: 2020-12-01. Review status: criteria provided, single submitter. Criteria: ACMG Guidelines, 2015. Collection method: clinical testing. Allele origin: germline.

NM_005359.6(SMAD4):c.451A>G (p.Asn151Asp)

Gene: SMAD4 (SMAD family member 4; plus strand). Cytogenetic location: 18q21.2.
Variant type: single nucleotide variant.
Coding change: c.451A>G on transcript NM_005359.6 (MANE Select); coding-DNA position 451, A replaced by G.
Protein change: p.Asn151Asp; replaces asparagine 151 with aspartic acid.
Molecular consequence: missense variant.
Genome position (GRCh38, 1-based): chr18:51,049,321, A>G. VCF-style: chr18-51049321-A-G. GRCh37 (hg19) VCF-style: chr18-48575691-A-G.
Other names: short protein forms N151D.
Identifiers: ClinVar variation 648456 (VCV000648456.14), dbSNP rs1599182920, ClinGen allele CA402459617.